The following is an entry in ClinVar:

NM_000368.5(TSC1):c.2364A>T (p.Glu788Asp)

Gene: TSC1 (TSC complex subunit 1; minus strand). Cytogenetic location: 9q34.13.
Variant type: single nucleotide variant.
Coding change: c.2364A>T on transcript NM_000368.5 (MANE Select); coding-DNA position 2364, A replaced by T.
Protein change: p.Glu788Asp; replaces glutamic acid 788 with aspartic acid.
Molecular consequence: missense variant.
Genome position (GRCh38, 1-based): chr9:132,902,632, T>A on the plus strand (A>T on the coding strand, the complement: TSC1 is on the minus strand). VCF-style: chr9-132902632-T-A. GRCh37 (hg19) VCF-style: chr9-135778019-T-A.
Other names: c.2361A>T, p.Glu787Asp (NM_001406608.1, NM_001406609.1, NM_001162426.2 and 4 more transcripts); c.2211A>T, p.Glu737Asp (NM_001406610.1, NM_001162427.2); c.2208A>T, p.Glu736Asp (NM_001406611.1, NM_001406612.1, NM_001406613.1); c.2001A>T, p.Glu667Asp (NM_001406614.1, NM_001406615.1, NM_001406616.1 and 5 more transcripts); c.2364A>T, p.Glu788Asp (NM_001406592.1, NM_001406593.1, NM_001406594.1 and 5 more transcripts); c.2349A>T, p.Glu783Asp (NM_001406601.1, NM_001406602.1); c.2346A>T, p.Glu782Asp (NM_001406603.1, NM_001406604.1); c.1998A>T, p.Glu666Asp (NM_001406620.1, NM_001406621.1, NM_001406622.1 and 2 more transcripts); and 3 more; short protein forms E471D, E666D, E782D, E788D, E470D, E783D, E787D, E667D.
Identifiers: ClinVar variation 2118285 (VCV002118285.4), dbSNP rs1588301218, ClinGen allele CA375359230.
Genomic context (GRCh38, chr9:132,902,632, plus strand): 5'-GCAGTTGGCTTTGCCTGGTGCTGCAGTTTATACCTGTAATTCCTGGCTCTGGTTGTAGAA[T>A]TCCTCTCGGTCATGCTGCAGCTGTCTGATCTGGCTGTGGAGCTTGGTTACCATAGTGTCA-3'
Protein context (NP_000359.1, residues 778-798): QIRQLQHDRE[Glu788Asp]FYNQSQELQT

ClinVar aggregate classification (germline): Uncertain significance (1 of 4 stars; one submission).

Conditions:
Tuberous sclerosis 1 (TSC1). Identifiers: Orphanet 805, MedGen C1854465, MONDO:0008612, OMIM 191100.

Submission:

Labcorp Genetics (formerly Invitae), Labcorp
Classification: Uncertain significance for Tuberous sclerosis 1. Last evaluated: 2022-03-27. Review status: criteria provided, single submitter. Criteria: Invitae Variant Classification Sherloc (09022015). Collection method: clinical testing. Allele origin: germline.
Comment: In summary, the available evidence is currently insufficient to determine the role of this variant in disease. Therefore, it has been classified as a Variant of Uncertain Significance. Algorithms developed to predict the effect of missense changes on protein structure and function (SIFT, PolyPhen-2, Align-GVGD) all suggest that this variant is likely to be tolerated. This variant has not been reported in the literature in individuals affected with TSC1-related conditions. This variant is not present in population databases (gnomAD no frequency). This sequence change replaces glutamic acid, which is acidic and polar, with aspartic acid, which is acidic and polar, at codon 788 of the TSC1 protein (p.Glu788Asp).